The following is an entry in ClinVar:

NM_031885.5(BBS2):c.1523A>C (p.Gln508Pro)

Gene: BBS2 (Bardet-Biedl syndrome 2; minus strand). Cytogenetic location: 16q13.
Variant type: single nucleotide variant.
Coding change: c.1523A>C on transcript NM_031885.5 (MANE Select); coding-DNA position 1523, A replaced by C.
Protein change: p.Gln508Pro; replaces glutamine 508 with proline.
Molecular consequence: missense variant. On other transcripts: non-coding transcript variant (5).
Genome position (GRCh38, 1-based): chr16:56,499,782, T>G on the plus strand (A>C on the coding strand, the complement: BBS2 is on the minus strand). VCF-style: chr16-56499782-T-G. GRCh37 (hg19) VCF-style: chr16-56533694-T-G.
Other names: c.1523A>C, p.Gln508Pro (NM_001377456.1); short protein forms Q508P.
Identifiers: ClinVar variation 216780 (VCV000216780.28), dbSNP rs115328064, ClinGen allele CA338335.

ClinVar aggregate classification (germline): Conflicting classifications of pathogenicity. Review status: criteria provided, conflicting classifications (1 of 4 stars). 10 submissions from 10 submitters: Uncertain significance (3); Likely benign (2). 5 of the submissions do not count toward it. Last evaluated 2026-01-28.

Conditions:
BBS2-related disorder. Also called: BBS2-related condition; BBS2-related disorders. Identifiers: MedGen CN239228.
Bardet-Biedl syndrome (BBS). Identifiers: Orphanet 110, MedGen C0752166, MONDO:0015229.
Bardet-Biedl syndrome 2 (BBS2). Identifiers: Orphanet 110, MedGen C2936863, MONDO:0014432, OMIM 615981.

Allele frequency attached by ClinVar (database versions not stated): gnomAD exomes 0.00010 and 0.00019; ExAC 0.00016; ESP Exome Variant Server 0.00031; gnomAD 0.00064 and 0.00068; TOPMed 0.00068; 1000 Genomes Project 0.00120; 1000 Genomes Project 30x 0.00156.
gnomAD v4.1: 248 of 1,614,154 alleles (0.015%); highest among the groups gnomAD compares: African/African-American, 0.21%; no homozygotes.

Submissions (10):

Labcorp Genetics (formerly Invitae), Labcorp
Classification: Likely benign for Bardet-Biedl syndrome. Last evaluated: 2026-01-28. Review status: criteria provided, single submitter. Criteria: Invitae Variant Classification Sherloc (09022015). Collection method: clinical testing. Allele origin: germline.

Greenwood Genetic Center Diagnostic Laboratories, Greenwood Genetic Center
Classification: Uncertain significance. Last evaluated: 2025-12-11. Review status: criteria provided, single submitter. Criteria: ACMG Guidelines, 2015. Collection method: clinical testing. Allele origin: germline. Affected: yes.
Comment: PP3

GeneDx
Classification: Uncertain significance. Last evaluated: 2025-04-10. Review status: criteria provided, single submitter. Criteria: GeneDx Variant Classification Process June 2021. Collection method: clinical testing. Allele origin: germline. Affected: yes.
Comment: Reported as a single heterozygous variant in a patient with Bardet-Biedl syndrome who also harbors a homozygous loss of function variant in the BBS5 gene (PMID: 22773737); In silico analysis supports that this missense variant has a deleterious effect on protein structure/function; This variant is associated with the following publications: (PMID: 22773737)

Blueprint Genetics
Classification: Likely benign. Last evaluated: 2024-09-15. Review status: criteria provided, single submitter. Criteria: ACMG Guidelines, 2015. Collection method: clinical testing. Allele origin: germline.

Genetic Services Laboratory, University of Chicago
Classification: Uncertain significance. Last evaluated: 2018-06-06. Review status: criteria provided, single submitter. Criteria: ACMG Guidelines, 2015. Collection method: clinical testing. Allele origin: germline. Affected: no.

PreventionGenetics, part of Exact Sciences
Classification: Likely benign for BBS2-related condition. Last evaluated: 2020-08-26. Review status: no assertion criteria provided. Collection method: clinical testing. Allele origin: germline. Not counted in ClinVar's aggregate classification.
Comment: This variant is classified as likely benign based on ACMG/AMP sequence variant interpretation guidelines (Richards et al. 2015 PMID: 25741868, with internal and published modifications).

Natera, Inc.
Classification: Likely benign for Bardet-Biedl syndrome type 2. Last evaluated: 2020-02-25. Review status: no assertion criteria provided. Collection method: clinical testing. Allele origin: germline. Not counted in ClinVar's aggregate classification.

Counsyl
Classification: Uncertain significance for Bardet-Biedl syndrome 2. Last evaluated: 2017-02-08. Review status: no assertion criteria provided. Collection method: clinical testing. Allele origin: unknown. Not counted in ClinVar's aggregate classification.

Clinical Genetics DNA and cytogenetics Diagnostics Lab, Erasmus MC, Erasmus Medical Center
Classification: Uncertain significance. Review status: no assertion criteria provided. Collection method: clinical testing. Allele origin: germline. Affected: yes. Study: VKGL Data-share Consensus. Not counted in ClinVar's aggregate classification.

Clinical Genetics, Academic Medical Center
Classification: Uncertain significance. Review status: no assertion criteria provided. Collection method: clinical testing. Allele origin: germline. Affected: yes. Study: VKGL Data-share Consensus. Not counted in ClinVar's aggregate classification.

Literature cited by the submitters: PubMed 22773737 (cited by Counsyl).